The following is an entry in ClinVar:

ClinVar aggregate classification (germline): Likely benign (1 of 4 stars; one submission).

Allele frequency attached by ClinVar (database versions not stated): gnomAD exomes below 0.00001.
gnomAD v4.1: 3 of 1,604,228 alleles (0.00019%); highest among the groups gnomAD compares: East Asian, 0.0022%; no homozygotes.

Submission:

GeneDx
Classification: Likely benign. Last evaluated: 2018-04-13. Review status: criteria provided, single submitter. Criteria: GeneDx Variant Classification (06012015). Collection method: clinical testing. Allele origin: germline. Affected: yes.
Comment: This variant is considered likely benign or benign based on one or more of the following criteria: it is a conservative change, it occurs at a poorly conserved position in the protein, it is predicted to be benign by multiple in silico algorithms, and/or has population frequency not consistent with disease.

NM_001164508.2(NEB):c.7499T>C (p.Ile2500Thr)

Gene: NEB (nebulin; minus strand). Cytogenetic location: 2q23.3.
Variant type: single nucleotide variant.
Coding change: c.7499T>C on transcript NM_001164508.2 (MANE Select); coding-DNA position 7499, T replaced by C.
Protein change: p.Ile2500Thr; replaces isoleucine 2500 with threonine.
Molecular consequence: missense variant.
Genome position (GRCh38, 1-based): chr2:151,646,167, A>G on the plus strand (T>C on the coding strand, the complement: NEB is on the minus strand). VCF-style: chr2-151646167-A-G. GRCh37 (hg19) VCF-style: chr2-152502681-A-G.
Other names: c.7499T>C, p.Ile2500Thr (NM_001164507.2, NM_001271208.2, NM_004543.5); short protein forms I2500T.
Identifiers: ClinVar variation 681845 (VCV000681845.1), dbSNP rs1389139743, ClinGen allele CA348784916.